The following is an entry in ClinVar:

ClinVar aggregate classification (germline): Benign/Likely benign. Review status: criteria provided, multiple submitters, no conflicts (2 of 4 stars). 3 submissions from 3 submitters: Benign (1); Likely benign (1). 1 of the submissions does not count toward it. Last evaluated 2025-12-13.

Conditions:
SLMAP-related disorder. Also called: SLMAP-related condition.
Brugada syndrome. Also called: Sudden unexplained nocturnal death syndrome; Sudden Unexplained Death Syndrome; Sudden Unexplained Nocturnal Death Syndrome (SUNDS); Sudden unexpected nocturnal death syndrome. Identifiers: Orphanet 130, MedGen C1142166, MONDO:0015263.

Allele frequency attached by ClinVar (database versions not stated): 1000 Genomes Project 30x 0.00031; gnomAD 0.00003; TOPMed 0.00009; gnomAD exomes 0.00014 and 0.00030; 1000 Genomes Project 0.00020; ExAC 0.00029.
gnomAD v4.1: 89 of 1,613,598 alleles (0.0055%); highest among the groups gnomAD compares: Admixed American, 0.15%; no homozygotes.

Submissions (3):

Labcorp Genetics (formerly Invitae), Labcorp
Classification: Benign for Brugada syndrome. Last evaluated: 2025-12-13. Review status: criteria provided, single submitter. Criteria: Invitae Variant Classification Sherloc (09022015). Collection method: clinical testing. Allele origin: germline.

Ambry Genetics
Classification: Likely benign. Last evaluated: 2019-07-05. Review status: criteria provided, single submitter. Criteria: Ambry Variant Classification Scheme 2023. Collection method: clinical testing. Allele origin: germline.

PreventionGenetics, part of Exact Sciences
Classification: Likely benign for SLMAP-related condition. Last evaluated: 2022-02-09. Review status: no assertion criteria provided. Collection method: clinical testing. Allele origin: germline. Not counted in ClinVar's aggregate classification.
Comment: This variant is classified as likely benign based on ACMG/AMP sequence variant interpretation guidelines (Richards et al. 2015 PMID: 25741868, with internal and published modifications).

NM_001377540.1(SLMAP):c.1317A>G (p.Glu439=)

Gene: SLMAP (sarcolemma associated protein; plus strand). Cytogenetic location: 3p14.3.
Variant type: single nucleotide variant.
Coding change: c.1317A>G on transcript NM_001377540.1 (MANE Select); coding-DNA position 1317, A replaced by G.
Protein change: p.Glu439=; no amino-acid change (glutamic acid 439 retained).
Molecular consequence: synonymous variant. On other transcripts: 5 prime UTR variant (7), non-coding transcript variant (1).
Genome position (GRCh38, 1-based): chr3:57,890,057, A>G. VCF-style: chr3-57890057-A-G. GRCh37 (hg19) VCF-style: chr3-57875784-A-G.
Other names: c.1215A>G (NM_007159.4); c.1266A>G, p.Glu422= (NM_001304420.3, NM_001377541.1, NM_001377542.1 and 2 more transcripts); c.1152A>G, p.Glu384= (NM_001304421.2, NM_001377557.1, NM_001377559.1 and 1 more transcripts); c.-133A>G (NM_001304422.3, NM_001304423.3, NM_001311178.2 and 4 more transcripts); c.1317A>G, p.Glu439= (NM_001377538.1, NM_001377539.1, NM_001377555.1); c.1254A>G, p.Glu418= (NM_001377545.1, NM_001377922.1); c.1215A>G, p.Glu405= (NM_001377549.1, NM_001377923.1, NM_007159.5); c.1203A>G, p.Glu401= (NM_001377551.1, NM_001377552.1, NM_001377924.1).
Identifiers: ClinVar variation 416634 (VCV000416634.12), dbSNP rs189861519, ClinGen allele CA2467097.